The following is an entry in ClinVar:

ClinVar aggregate classification (germline): Uncertain significance (1 of 4 stars; one submission).

Allele frequency attached by ClinVar (database versions not stated): ExAC 0.00001; gnomAD exomes 0.00001.

Submission:

Ambry Genetics
Classification: Uncertain significance. Last evaluated: 2023-10-25. Review status: criteria provided, single submitter. Criteria: Ambry Variant Classification Scheme 2023. Collection method: clinical testing. Allele origin: germline.
Comment: The c.1506_1507delGC variant, located in coding exon 9 of the GALNT12 gene, results from a deletion of two nucleotides at nucleotide positions 1506 to 1507, causing a translational frameshift with a predicted alternate stop codon (p.Q502Hfs*2). This alteration is expected to result in loss of function by premature protein truncation or nonsense-mediated mRNA decay. The evidence for this gene-disease relationship is limited; therefore, the clinical significance of this alteration is unclear.

NM_024642.5(GALNT12):c.1506_1507del (p.Gln502fs)

Gene: GALNT12 (polypeptide N-acetylgalactosaminyltransferase 12; plus strand). Cytogenetic location: 9q22.33.
Variant type: Deletion.
Coding change: c.1506_1507del on transcript NM_024642.5 (MANE Select); coding-DNA positions 1506 to 1507, 2 bases deleted (GC; older notation c.1506_1507delGC).
Protein change: p.Gln502fs; shifts the reading frame from glutamine 502.
Molecular consequence: frameshift variant.
Genome position (GRCh38, 1-based): chr9:98,846,024-98,846,025, GC deleted. VCF-style (leftmost placement, unchanged base first): chr9-98846023-AGC-A. GRCh37 (hg19) VCF-style: chr9-101608305-AGC-A.
Other names: short protein forms Q502fs.
Identifiers: ClinVar variation 3227926 (VCV003227926.1), dbSNP rs765816109, ClinGen allele CA5154305.
Genomic context (GRCh38, chr9:98,846,023, plus strand): 5'-TGCCCCATTTTTAGTTTTTCGAGTACACGTCCCAGAAAGAAATACGCTATAACACCCACC[AGC>A]CTGAGGGCTGCATTGCTGTGGAAGCAGGAATGGATACCCTTATCATGCATCTCTGCGAAG-3'